The following is an entry in ClinVar:

GRCh37/hg19 8p11.23-11.1(chr8:36650289-43776564)x3

Genes: IKBKB (inhibitor of nuclear factor kappa B kinase subunit beta; plus strand), KAT6A (lysine acetyltransferase 6A; minus strand), KCNU1 (potassium calcium-activated channel subfamily U member 1; plus strand), LETM2 (leucine zipper and EF-hand containing transmembrane protein 2; plus strand), LINC03042 (long intergenic non-protein coding RNA 3042; minus strand) and 51 more. Cytogenetic location: 8p11.23-11.1.
Variant type: copy number gain.
Change: copy number 3 (three copies instead of two) of chr8:36,650,289-43,776,564 (7.13 Mb, GRCh37 coordinates, 1-based), cytogenetic band 8p11.23-11.1.
Identifiers: ClinVar variation 4682714 (VCV004682714.1).

ClinVar aggregate classification (germline): Likely pathogenic (1 of 4 stars; one submission).

Submission:

Quest Diagnostics Nichols Institute San Juan Capistrano
Classification: Likely pathogenic. Last evaluated: 2024-10-18. Review status: criteria provided, single submitter. Criteria: ACMG/ClinGen CNV Guidelines, 2019. Collection method: clinical testing. Allele origin: unknown.
Comment: This 8p11.23p11.1 duplication involves at least 55 protein-coding genes. A similar gain resulting from a de novo mosaic supernumerary marker chromosome (SMC) has been reported in individuals with various phenotypes (Yu 2010). There are no similar copy number gains of this region in the general populations of the Database of Genomic Variants. Therefore, based on size, gene content, and current medical literature, this copy number variant (CNV) is classified as likely pathogenic. References: Yu et al., Eur J Hum Genet. 2010 Oct;18(10):1114-20. PMID: 20461109